The following is an entry in ClinVar:

NM_003098.3(SNTA1):c.1518G>T (p.Ter506Tyr)

Gene: SNTA1 (syntrophin alpha 1; minus strand). Cytogenetic location: 20q11.21.
Variant type: single nucleotide variant.
Coding change: c.1518G>T on transcript NM_003098.3 (MANE Select); coding-DNA position 1518, G replaced by T.
Protein change: p.Ter506Tyr.
Molecular consequence: stop lost.
Genome position (GRCh38, 1-based): chr20:33,408,507, C>A on the plus strand (G>T on the coding strand, the complement: SNTA1 is on the minus strand). VCF-style: chr20-33408507-C-A. GRCh37 (hg19) VCF-style: chr20-31996313-C-A.
Other names: *506Y.
Identifiers: ClinVar variation 577119 (VCV000577119.6), dbSNP rs1568745550, ClinGen allele CA408629860.
Genomic context (GRCh38, chr20:33,408,507, plus strand): 5'-AGGCCCAGCTCAGGCCATGTCATGGACACCCCTCTTCAGGGCTAGTGCATCCGGCGACTT[C>A]TAGGCCAACAGCCCGAGGCGGGTGACTTTGGCCGACAGGAAGGAGTGGATGATGAAGACT-3'

ClinVar aggregate classification (germline): Uncertain significance (1 of 4 stars; one submission).

Conditions:
Long QT syndrome (LQTS). Identifiers: MedGen C0023976, MeSH D008133, MONDO:0002442. Disease mechanism: loss of function. Inheritance: Various modes of inheritance.

Submission:

Labcorp Genetics (formerly Invitae), Labcorp
Classification: Uncertain significance for Long QT syndrome. Last evaluated: 2021-03-22. Review status: criteria provided, single submitter. Criteria: Invitae Variant Classification Sherloc (09022015). Collection method: clinical testing. Allele origin: germline.
Comment: In summary, the available evidence is currently insufficient to determine the role of this variant in disease. Therefore, it has been classified as a Variant of Uncertain Significance. This variant is not present in population databases (ExAC no frequency). This sequence change disrupts the translational stop signal of the SNTA1 mRNA. It is expected to extend the length of the SNTA1 protein by 17 additional amino acid residues. Experimental studies and prediction algorithms are not available or were not evaluated, and the functional significance of this variant is currently unknown. This variant has not been reported in the literature in individuals with SNTA1-related conditions.